The following is an entry in ClinVar:

ClinVar aggregate classification (germline): Uncertain significance. Review status: criteria provided, multiple submitters, no conflicts (2 of 4 stars). 4 submissions from 4 submitters: Uncertain significance (4). Last evaluated 2026-09-08.

Conditions:
Fabry disease. Also called: Fabry's disease; GLA DEFICIENCY; HEREDITARY DYSTOPIC LIPIDOSIS; Ceramide trihexosidosis; ALPHA-GALACTOSIDASE A DEFICIENCY; ANDERSON-FABRY DISEASE. Identifiers: Orphanet 324, MedGen C0002986, MONDO:0010526, OMIM 301500, HP:0001071. Disease mechanism: Fabry disease is due to inactivating mutations in the X-linked GLA gene resulting in deficiency of the enzyme Alpha Galactosidase-A., loss of function.

Allele frequency attached by ClinVar (database versions not stated): gnomAD 0.00001; gnomAD exomes 0.00002; TOPMed 0.00002.
gnomAD v4.1: 3 of 237,299 alleles (0.0013%); highest among the groups gnomAD compares: Non-Finnish European, 0.0023%; no homozygotes.

Submissions (4):

Genomenon, Inc
Classification: Uncertain significance for Fabry disease. Last evaluated: 2026-09-08. Review status: criteria provided, single submitter. Criteria: Genomenon Sequence Variant Interpretation Standards - Updated. Collection method: curation. Allele origin: germline. Affected: no.
Comment: GLA c.547+397G>A is an intronic variant located in intron 3. This variant has been reported in the published literature (PMID:39336803). It is absent or not present at a significant frequency in gnomAD. In silico models predict that this variant is possibly or probably damaging. In conclusion, we classify GLA c.547+397G>A as a variant of uncertain significance.

Revvity Omics, Revvity
Classification: Uncertain significance. Last evaluated: 2024-05-30. Review status: criteria provided, single submitter. Criteria: ACMG Guidelines, 2015. Collection method: clinical testing. Allele origin: germline.

CeGaT Center for Human Genetics Tuebingen
Classification: Uncertain significance. Last evaluated: 2023-11-01. Review status: criteria provided, single submitter. Criteria: CeGaT Center For Human Genetics Tuebingen Variant Classification Criteria Version 2. Collection method: clinical testing. Allele origin: germline. Affected: yes. Observed: 1 variant allele.
Comment: GLA: PM2:Supporting

Eurofins Ntd Llc (ga)
Classification: Uncertain significance. Last evaluated: 2016-12-15. Review status: criteria provided, single submitter. Criteria: EGL Classification Definitions 2015. Collection method: clinical testing. Allele origin: germline. Observed: 1 variant allele, 1 heterozygote.

Literature cited by the submitters: PubMed 39336803 (cited by Genomenon, Inc).

NM_000169.3(GLA):c.547+397G>A

Genes: GLA (galactosidase alpha; minus strand), RPL36A-HNRNPH2 (RPL36A-HNRNPH2 readthrough; plus strand). Cytogenetic location: Xq22.1.
Variant type: single nucleotide variant.
Coding change: c.547+397G>A on transcript NM_000169.3 (MANE Select); 397 bases into the intron after coding-DNA position 547, G replaced by A.
Molecular consequence: intron variant. On other transcripts: 3 prime UTR variant (1), non-coding transcript variant (1).
Genome position (GRCh38, 1-based): chrX:101,401,235, C>T on the plus strand (G>A on the coding strand, the complement: GLA is on the minus strand). VCF-style: chrX-101401235-C-T. GRCh37 (hg19) VCF-style: chrX-100656223-C-T.
Other names: c.*308G>A (NM_001406749.1); c.300+5778C>T (NM_001199973.2); c.177+9413C>T (NM_001199974.2); c.670+397G>A (NM_001406747.1); c.547+397G>A (NM_001406748.1).
Identifiers: ClinVar variation 499259 (VCV000499259.33), dbSNP rs1220800965, ClinGen allele CA658799815.
Genomic context (GRCh38, chrX:101,401,235, plus strand): 5'-ATGTTTAAACTAGCAGCAGGGACAGGCAGTTGCTCTGTGCTTAAATTGTGTAAAGTACCT[C>T]CCAGACTGCTGGGATTGTTCTGAGGAAGTAGTGCAGAGATGGTGTGTATATTGAGGAAAG-3'